The following is an entry in ClinVar:

ClinVar aggregate classification (germline): Uncertain significance. Review status: criteria provided, multiple submitters, no conflicts (2 of 4 stars). 2 submissions from 2 submitters: Uncertain significance (2). Last evaluated 2022-03-27.

gnomAD v4.1: 2 of 1,613,942 alleles (0.00012%); highest among the groups gnomAD compares: Non-Finnish European, 0.00017%; no homozygotes.

Submissions (2):

Labcorp Genetics (formerly Invitae), Labcorp
Classification: Uncertain significance. Last evaluated: 2022-03-27. Review status: criteria provided, single submitter. Criteria: Invitae Variant Classification Sherloc (09022015). Collection method: clinical testing. Allele origin: germline.
Comment: This variant has not been reported in the literature in individuals affected with USH2A-related conditions. In summary, the available evidence is currently insufficient to determine the role of this variant in disease. Therefore, it has been classified as a Variant of Uncertain Significance. Algorithms developed to predict the effect of missense changes on protein structure and function are either unavailable or do not agree on the potential impact of this missense change (SIFT: "Deleterious"; PolyPhen-2: "Probably Damaging"; Align-GVGD: "Class C0"). This variant is not present in population databases (gnomAD no frequency). This sequence change replaces leucine, which is neutral and non-polar, with serine, which is neutral and polar, at codon 150 of the USH2A protein (p.Leu150Ser).

Blueprint Genetics
Classification: Uncertain significance. Last evaluated: 2020-01-27. Review status: criteria provided, single submitter. Criteria: ACMG Guidelines, 2015. Collection method: clinical testing. Allele origin: germline.

NM_206933.4(USH2A):c.449T>C (p.Leu150Ser)

Gene: USH2A (usherin; minus strand). Cytogenetic location: 1q41.
Variant type: single nucleotide variant.
Coding change: c.449T>C on transcript NM_206933.4 (MANE Select); coding-DNA position 449, T replaced by C.
Protein change: p.Leu150Ser; replaces leucine 150 with serine.
Molecular consequence: missense variant.
Genome position (GRCh38, 1-based): chr1:216,421,888, A>G on the plus strand (T>C on the coding strand, the complement: USH2A is on the minus strand). VCF-style: chr1-216421888-A-G. GRCh37 (hg19) VCF-style: chr1-216595230-A-G.
Other names: c.449T>C, p.Leu150Ser (NM_007123.6); short protein forms L150S.
Identifiers: ClinVar variation 2118421 (VCV002118421.5), dbSNP rs1553258037, ClinGen allele CA344903762.